The following is an entry in ClinVar:

NM_007294.4(BRCA1):c.2793G>A (p.Val931=)

Gene: BRCA1 (BRCA1 DNA repair associated; minus strand). Cytogenetic location: 17q21.31.
Variant type: single nucleotide variant.
Coding change: c.2793G>A on transcript NM_007294.4 (MANE Select); coding-DNA position 2793, G replaced by A.
Protein change: p.Val931=; no amino-acid change (valine 931 retained).
Molecular consequence: synonymous variant. On other transcripts: intron variant (137).
Genome position (GRCh38, 1-based): chr17:43,092,738, C>T on the plus strand (G>A on the coding strand, the complement: BRCA1 is on the minus strand). VCF-style: chr17-43092738-C-T. GRCh37 (hg19) VCF-style: chr17-41244755-C-T.
Other names: c.575-1706G>A (NM_001408493.1, NM_001408490.1, NM_001408491.1); c.455-1706G>A (NM_001408502.1); c.578-1706G>A (NM_001408489.1, NM_001408479.1, NM_001408482.1 and 9 more transcripts); c.662-1706G>A (NM_001408445.1, NM_001408432.1, NM_001408450.1 and 6 more transcripts); c.668-1706G>A (NM_001408431.1, NM_001408424.1, NM_001408421.1); c.785-1706G>A (NM_001408407.1, NM_001408402.1, NM_001408473.1 and 13 more transcripts); c.665-1706G>A (NM_001408443.1, NM_001408439.1, NM_001408425.1 and 12 more transcripts); c.671-1706G>A (NM_001408419.1, NM_001408422.1, NM_001408418.1 and 2 more transcripts); and 41 more.
Identifiers: ClinVar variation 233662 (VCV000233662.18), dbSNP rs876660555, ClinGen allele CA10580598.
Genomic context (GRCh38, chr17:43,092,738, plus strand): 5'-CCTAGAGCCTCCTTTGATACTACATTTGGCATTATCAACTGGCTTATCTTTCTGACCAAC[C>T]ACAGGAAAGCCTGCAGTGATATTAACTGTCTGTACAGGCTTGATATTAGACTCATTCTTT-3'
Protein context (NP_009225.1, residues 921-941): QTVNITAGFP[Val931=]VGQKDKPVDN

ClinVar aggregate classification (germline): Likely benign. Review status: reviewed by expert panel (3 of 4 stars). 3 submissions from 3 submitters: Likely benign (1). 2 of the submissions do not count toward it. Last evaluated 2017-06-29.

Conditions:
Hereditary breast ovarian cancer syndrome. Also called: Breast and ovarian cancer; Hereditary breast and ovarian cancer; Hereditary breast and ovarian cancer syndrome; Hereditary breast and/or ovarian cancer syndrome; BRCA1- and BRCA2-Associated Hereditary Breast and Ovarian Cancer; Hereditary breast and ovarian cancer syndrome (HBOC). Identifiers: Orphanet 145, MedGen C0677776, MeSH D061325, MONDO:0003582. Disease mechanism: loss of function.
Breast-ovarian cancer, familial, susceptibility to, 1 (BROVCA1). Also called: BRCA1 Hereditary Breast and Ovarian Cancer; OVARIAN CANCER, SUSCEPTIBILITY TO. Identifiers: Orphanet 145, MedGen C2676676, MONDO:0011450, OMIM 604370. Disease mechanism: loss of function.
Hereditary cancer-predisposing syndrome. Also called: Tumor predisposition; Hereditary Cancer Syndrome; Neoplastic Syndromes, Hereditary; Hereditary neoplastic syndrome. Identifiers: Orphanet 140162, MedGen C0027672, MeSH D009386, MONDO:0015356.

Submissions (3):

Evidence-based Network for the Interpretation of Germline Mutant Alleles (ENIGMA)
Classification: Likely benign for Breast-ovarian cancer, familial, susceptibility to, 1. Last evaluated: 2017-06-29. Review status: reviewed by expert panel. Criteria: ENIGMA BRCA1/2 Classification Criteria (2017-06-29). Collection method: curation. Allele origin: germline.
Comment: Synonymous substitution variant, with low bioinformatic likelihood to result in a splicing aberration (Splicing prior probability 0.02).

Labcorp Genetics (formerly Invitae), Labcorp
Classification: Likely benign for Hereditary breast ovarian cancer syndrome. Last evaluated: 2025-11-17. Review status: criteria provided, single submitter. Criteria: Invitae Variant Classification Sherloc (09022015). Collection method: clinical testing. Allele origin: germline. Not counted in ClinVar's aggregate classification.

Ambry Genetics
Classification: Likely benign for Hereditary cancer-predisposing syndrome. Last evaluated: 2015-09-02. Review status: criteria provided, single submitter. Criteria: Ambry Variant Classification Scheme 2023. Collection method: clinical testing. Allele origin: germline. Not counted in ClinVar's aggregate classification.